The following is an entry in ClinVar:

ClinVar aggregate classification (germline): Uncertain significance (1 of 4 stars; one submission).

Conditions:
Papillon-Lefèvre syndrome (PALS). Also called: KERATOSIS PALMOPLANTARIS WITH PERIODONTOPATHIA; Papillon-Lefevre Disease. Identifiers: Orphanet 678, MedGen C0030360, MONDO:0009490, OMIM 245000.
Periodontitis, aggressive. Identifiers: MedGen C0031106, MONDO:0980757.
Haim-Munk syndrome (HMS). Also called: COCHIN JEWISH DISORDER; KERATOSIS PALMOPLANTARIS WITH PERIODONTOPATHIA AND ONYCHOGRYPOSIS. Identifiers: Orphanet 2342, MedGen C1855627, MONDO:0009491, OMIM 245010.

Submission:

Labcorp Genetics (formerly Invitae), Labcorp
Classification: Uncertain significance for Haim-Munk syndrome; Periodontitis, aggressive; Papillon-Lefèvre syndrome. Last evaluated: 2024-02-17. Review status: criteria provided, single submitter. Criteria: Invitae Variant Classification Sherloc (09022015). Collection method: clinical testing. Allele origin: germline.
Comment: This sequence change replaces leucine with valine at codon 316 of the CTSC protein (p.Leu316Val). The leucine residue is weakly conserved and there is a small physicochemical difference between leucine and valine. This variant is not present in population databases (gnomAD no frequency). This variant has not been reported in the literature in individuals affected with CTSC-related conditions. ClinVar contains an entry for this variant (Variation ID: 1395626). Advanced modeling of protein sequence and biophysical properties (such as structural, functional, and spatial information, amino acid conservation, physicochemical variation, residue mobility, and thermodynamic stability) performed at Invitae indicates that this missense variant is not expected to disrupt CTSC protein function with a negative predictive value of 80%. This variant disrupts the p.Leu316 amino acid residue in CTSC. Other variant(s) that disrupt this residue have been observed in individuals with CTSC-related conditions (PMID: 15111626, 31282082), which suggests that this may be a clinically significant amino acid residue. In summary, the available evidence is currently insufficient to determine the role of this variant in disease. Therefore, it has been classified as a Variant of Uncertain Significance.

Literature cited by the submitters: PubMed 15111626; PubMed 31282082.

NM_001814.6(CTSC):c.946C>G (p.Leu316Val)

Gene: CTSC (cathepsin C; minus strand). Cytogenetic location: 11q14.2.
Variant type: single nucleotide variant.
Coding change: c.946C>G on transcript NM_001814.6 (MANE Select); coding-DNA position 946, C replaced by G.
Protein change: p.Leu316Val; replaces leucine 316 with valine.
Molecular consequence: missense variant.
Genome position (GRCh38, 1-based): chr11:88,294,452, G>C on the plus strand (C>G on the coding strand, the complement: CTSC is on the minus strand). VCF-style: chr11-88294452-G-C. GRCh37 (hg19) VCF-style: chr11-88027620-G-C.
Other names: short protein forms L316V.
Identifiers: ClinVar variation 1395626 (VCV001395626.5), dbSNP rs2496529963, ClinGen allele CA382022219.
Genomic context (GRCh38, chr11:88,294,452, plus strand): 5'-CTTCCTTCATTTTGCATGGAGAATCAGTGCCTGTGTAGGGGAAGCAAGCTTCTTCCACCA[G>C]CCCAAAATCTTGGGCGTACTTTCCTGCAATAAGGTATGGGAAGCCGCCTTCACAGCCTGA-3'
Protein context (NP_001805.4, residues 306-326): IAGKYAQDFG[Leu316Val]VEEACFPYTG